The following is an entry in ClinVar:

NM_000355.4(TCN2):c.1229C>G (p.Ala410Gly)

Gene: TCN2 (transcobalamin 2; plus strand). Cytogenetic location: 22q12.2.
Variant type: single nucleotide variant.
Coding change: c.1229C>G on transcript NM_000355.4 (MANE Select); coding-DNA position 1229, C replaced by G.
Protein change: p.Ala410Gly; replaces alanine 410 with glycine.
Molecular consequence: missense variant.
Genome position (GRCh38, 1-based): chr22:30,626,466, C>G. VCF-style: chr22-30626466-C-G. GRCh37 (hg19) VCF-style: chr22-31022453-C-G.
Other names: c.1148C>G, p.Ala383Gly (NM_001184726.2); short protein forms A383G, A410G.
Identifiers: ClinVar variation 836814 (VCV000836814.5), dbSNP rs145807876, ClinGen allele CA10185062.

ClinVar aggregate classification (germline): Uncertain significance (1 of 4 stars; one submission).

Conditions:
Transcobalamin II deficiency (TCN2D). Also called: TC II DEFICIENCY; TCN2 DEFICIENCY; Transcolabamin II deficiency. Identifiers: Orphanet 859, MedGen C0342701, MONDO:0010149, OMIM 275350.

Allele frequency attached by ClinVar (database versions not stated): gnomAD exomes 0.00011; ExAC 0.00017; 1000 Genomes Project 0.00020; gnomAD 0.00029 and 0.00031; TOPMed 0.00037; 1000 Genomes Project 30x 0.00047; ESP Exome Variant Server 0.00054.
gnomAD v4.1: 106 of 1,614,148 alleles (0.0066%); highest among the groups gnomAD compares: African/African-American, 0.099%; no homozygotes.

Submission:

Labcorp Genetics (formerly Invitae), Labcorp
Classification: Uncertain significance for Transcobalamin II deficiency. Last evaluated: 2022-07-11. Review status: criteria provided, single submitter. Criteria: Invitae Variant Classification Sherloc (09022015). Collection method: clinical testing. Allele origin: germline.
Comment: This sequence change replaces alanine, which is neutral and non-polar, with glycine, which is neutral and non-polar, at codon 410 of the TCN2 protein (p.Ala410Gly). This variant is present in population databases (rs145807876, gnomAD 0.1%). This variant has not been reported in the literature in individuals affected with TCN2-related conditions. ClinVar contains an entry for this variant (Variation ID: 836814). Algorithms developed to predict the effect of missense changes on protein structure and function are either unavailable or do not agree on the potential impact of this missense change (SIFT: "Deleterious"; PolyPhen-2: "Benign"; Align-GVGD: "Class C0"). Algorithms developed to predict the effect of sequence changes on RNA splicing suggest that this variant may create or strengthen a splice site. In summary, the available evidence is currently insufficient to determine the role of this variant in disease. Therefore, it has been classified as a Variant of Uncertain Significance.